The following is an entry in ClinVar:

NM_025000.4(DCAF17):c.*676T>G

Gene: DCAF17 (DDB1 and CUL4 associated factor 17; plus strand). Cytogenetic location: 2q31.1.
Variant type: single nucleotide variant.
Coding change: c.*676T>G on transcript NM_025000.4 (MANE Select); 676 bases downstream of the stop codon, T replaced by G.
Molecular consequence: 3 prime UTR variant. On other transcripts: non-coding transcript variant (1).
Genome position (GRCh38, 1-based): chr2:171,481,790, T>G. VCF-style: chr2-171481790-T-G. GRCh37 (hg19) VCF-style: chr2-172338300-T-G.
Other names: c.*676T>G (NM_001164821.2).
Identifiers: ClinVar variation 332281 (VCV000332281.6), dbSNP rs3821084, ClinGen allele CA1965047.

ClinVar aggregate classification (germline): Benign. Review status: criteria provided, multiple submitters, no conflicts (2 of 4 stars). 2 submissions from 2 submitters: Benign (2). Last evaluated 2018-01-13.

Conditions:
Woodhouse-Sakati syndrome. Also called: Hypogonadism, Alopecia, Diabetes Mellitus, Mental Retardation, and Extrapyramidal Syndrome; Hypogonadism, diabetes mellitus, alopecia, mental retardation and electrocardiographic abnormalities; EXTRAPYRAMIDAL DISORDER, PROGRESSIVE, WITH PRIMARY HYPOGONADISM, MENTAL RETARDATION, AND ALOPECIA. Identifiers: Orphanet 3464, MedGen C0342286, MONDO:0009419, OMIM 241080.

Allele frequency attached by ClinVar (database versions not stated): gnomAD exomes 0.23082 and 0.24195; ExAC 0.26313; gnomAD 0.19818 and 0.20170; TOPMed 0.20130; 1000 Genomes Project 0.20607; 1000 Genomes Project 30x 0.21034.
gnomAD v4.1: 100,030 of 453,182 alleles (22%); highest among the groups gnomAD compares: Admixed American, 32%; 11,870 homozygotes.

Submissions (2):

Illumina Laboratory Services, Illumina
Classification: Benign for Woodhouse-Sakati syndrome. Last evaluated: 2018-01-13. Review status: criteria provided, single submitter. Criteria: ICSL Variant Classification Criteria 13 December 2019. Collection method: clinical testing. Allele origin: germline.
Comment: This variant was observed in the ICSL laboratory as part of a predisposition screen in an ostensibly healthy population. It had not been previously curated by ICSL or reported in the Human Gene Mutation Database (HGMD: prior to June 1st, 2018), and was therefore a candidate for classification through an automated scoring system. Utilizing variant allele frequency, disease prevalence and penetrance estimates, and inheritance mode, an automated score was calculated to assess if this variant is too frequent to cause the disease. Based on the score and internal cut-off values, a variant classified as benign is not then subjected to further curation. The score for this variant resulted in a classification of benign for this disease.

Breakthrough Genomics
Classification: Benign. Review status: criteria provided, single submitter. Criteria: ACMG Guidelines, 2015. Collection method: not provided. Allele origin: germline. Inheritance: Autosomal recessive inheritance. Affected: yes.